The following is an entry in ClinVar:

ClinVar aggregate classification (germline): Uncertain significance (1 of 4 stars; one submission).

Conditions:
Emery-Dreifuss muscular dystrophy 5, autosomal dominant (EDMD5). Also called: EMERY-DREIFUSS MUSCULAR DYSTROPHY 5. Identifiers: Orphanet 261, MedGen C2751805, MONDO:0013072, OMIM 612999.

Submission:

Labcorp Genetics (formerly Invitae), Labcorp
Classification: Uncertain significance for Emery-Dreifuss muscular dystrophy 5, autosomal dominant. Last evaluated: 2023-11-06. Review status: criteria provided, single submitter. Criteria: Invitae Variant Classification Sherloc (09022015). Collection method: clinical testing. Allele origin: germline.
Comment: This sequence change replaces isoleucine, which is neutral and non-polar, with asparagine, which is neutral and polar, at codon 3844 of the SYNE2 protein (p.Ile3844Asn). This variant is not present in population databases (gnomAD no frequency). This variant has not been reported in the literature in individuals affected with SYNE2-related conditions. ClinVar contains an entry for this variant (Variation ID: 1372036). An algorithm developed to predict the effect of missense changes on protein structure and function (PolyPhen-2) suggests that this variant is likely to be disruptive. In summary, the available evidence is currently insufficient to determine the role of this variant in disease. Therefore, it has been classified as a Variant of Uncertain Significance.

NM_182914.3(SYNE2):c.11531T>A (p.Ile3844Asn)

Gene: SYNE2 (spectrin repeat containing nuclear envelope protein 2; plus strand). Cytogenetic location: 14q23.2.
Variant type: single nucleotide variant.
Coding change: c.11531T>A on transcript NM_182914.3 (MANE Select); coding-DNA position 11531, T replaced by A.
Protein change: p.Ile3844Asn; replaces isoleucine 3844 with asparagine.
Molecular consequence: missense variant.
Genome position (GRCh38, 1-based): chr14:64,087,717, T>A. VCF-style: chr14-64087717-T-A. GRCh37 (hg19) VCF-style: chr14-64554435-T-A.
Other names: c.11531T>A, p.Ile3844Asn (NM_015180.6); short protein forms I3844N.
Identifiers: ClinVar variation 1372036 (VCV001372036.6), dbSNP rs566279122, ClinGen allele CA389945891.